The following is an entry in ClinVar:

NM_004525.3(LRP2):c.8063A>G (p.Asn2688Ser)

Gene: LRP2 (LDL receptor related protein 2; minus strand). Cytogenetic location: 2q31.1.
Variant type: single nucleotide variant.
Coding change: c.8063A>G on transcript NM_004525.3 (MANE Select); coding-DNA position 8063, A replaced by G.
Protein change: p.Asn2688Ser; replaces asparagine 2688 with serine.
Molecular consequence: missense variant.
Genome position (GRCh38, 1-based): chr2:169,202,902, T>C on the plus strand (A>G on the coding strand, the complement: LRP2 is on the minus strand). VCF-style: chr2-169202902-T-C. GRCh37 (hg19) VCF-style: chr2-170059412-T-C.
Other names: short protein forms N2688S.
Identifiers: ClinVar variation 2010253 (VCV002010253.2), dbSNP rs1688249801, ClinGen allele CA349166288.
Genomic context (GRCh38, chr2:169,202,902, plus strand): 5'-GAGCAGGTGAAGGAAGATGCACCACATCGTTCACCATTGTCCACAATGCAGTGCTTCCTG[T>C]TGTTGGCCAAATACCAGTTGCCCTCATGTGGACACTGGCACTCGGCACCATTTGGACCTG-3'
Protein context (NP_004516.2, residues 2678-2698): PHEGNWYLAN[Asn2688Ser]RKHCIVDNGE

ClinVar aggregate classification (germline): Uncertain significance. Review status: criteria provided, multiple submitters, no conflicts (2 of 4 stars). 2 submissions from 2 submitters: Uncertain significance (2). Last evaluated 2024-04-03.

Conditions:
Donnai-Barrow syndrome. Also called: FACIOOCULOACOUSTICORENAL SYNDROME; DBS/FOAR SYNDROME. Identifiers: Orphanet 2143, MedGen C1857277, MONDO:0009104, OMIM 222448.

Allele frequency attached by ClinVar (database versions not stated): gnomAD exomes below 0.00001; TOPMed below 0.00001.
gnomAD v4.1: 3 of 1,614,242 alleles (0.00019%); highest among the groups gnomAD compares: African/African-American, 0.0013%; no homozygotes.

Submissions (2):

Fulgent Genetics
Classification: Uncertain significance for Donnai-Barrow syndrome. Last evaluated: 2024-04-03. Review status: criteria provided, single submitter. Criteria: ACMG Guidelines, 2015. Collection method: clinical testing. Allele origin: germline.

Labcorp Genetics (formerly Invitae), Labcorp
Classification: Uncertain significance. Last evaluated: 2022-08-07. Review status: criteria provided, single submitter. Criteria: Invitae Variant Classification Sherloc (09022015). Collection method: clinical testing. Allele origin: germline.
Comment: This sequence change replaces asparagine, which is neutral and polar, with serine, which is neutral and polar, at codon 2688 of the LRP2 protein (p.Asn2688Ser). This variant is not present in population databases (gnomAD no frequency). This variant has not been reported in the literature in individuals affected with LRP2-related conditions. Advanced modeling of protein sequence and biophysical properties (such as structural, functional, and spatial information, amino acid conservation, physicochemical variation, residue mobility, and thermodynamic stability) performed at Invitae indicates that this missense variant is not expected to disrupt LRP2 protein function. In summary, the available evidence is currently insufficient to determine the role of this variant in disease. Therefore, it has been classified as a Variant of Uncertain Significance.